The following is an entry in ClinVar:

ClinVar aggregate classification (germline): Uncertain significance. Review status: criteria provided, multiple submitters, no conflicts (2 of 4 stars). 2 submissions from 2 submitters: Uncertain significance (2). Last evaluated 2024-07-26.

Allele frequency attached by ClinVar (database versions not stated): ExAC 0.00002; gnomAD exomes 0.00002; gnomAD 0.00007.
gnomAD v4.1: 36 of 1,602,212 alleles (0.0022%); highest among the groups gnomAD compares: Admixed American, 0.012%; no homozygotes.

Submissions (2):

Ambry Genetics
Classification: Uncertain significance. Last evaluated: 2024-07-26. Review status: criteria provided, single submitter. Criteria: Ambry Variant Classification Scheme 2023. Collection method: clinical testing. Allele origin: germline.

Labcorp Genetics (formerly Invitae), Labcorp
Classification: Uncertain significance. Last evaluated: 2022-08-09. Review status: criteria provided, single submitter. Criteria: Invitae Variant Classification Sherloc (09022015). Collection method: clinical testing. Allele origin: germline.
Comment: This sequence change replaces arginine, which is basic and polar, with glutamine, which is neutral and polar, at codon 342 of the PIK3C2A protein (p.Arg342Gln). This variant is present in population databases (rs766658261, gnomAD 0.008%). This variant has not been reported in the literature in individuals affected with PIK3C2A-related conditions. Algorithms developed to predict the effect of missense changes on protein structure and function are either unavailable or do not agree on the potential impact of this missense change (SIFT: "Not Available"; PolyPhen-2: "Possibly Damaging"; Align-GVGD: "Not Available"). In summary, the available evidence is currently insufficient to determine the role of this variant in disease. Therefore, it has been classified as a Variant of Uncertain Significance.

NM_002645.4(PIK3C2A):c.1025G>A (p.Arg342Gln)

Gene: PIK3C2A (phosphatidylinositol-4-phosphate 3-kinase catalytic subunit type 2 alpha; minus strand). Cytogenetic location: 11p15.1.
Variant type: single nucleotide variant.
Coding change: c.1025G>A on transcript NM_002645.4 (MANE Select); coding-DNA position 1025, G replaced by A.
Protein change: p.Arg342Gln; replaces arginine 342 with glutamine.
Molecular consequence: missense variant. On other transcripts: intron variant (1).
Genome position (GRCh38, 1-based): chr11:17,168,717, C>T on the plus strand (G>A on the coding strand, the complement: PIK3C2A is on the minus strand). VCF-style: chr11-17168717-C-T. GRCh37 (hg19) VCF-style: chr11-17190264-C-T.
Other names: c.1025G>A, p.Arg342Gln (NM_001321378.2, NM_001386870.1); c.-75-13088G>A (NM_001321380.2); c.1025G>A (NM_002645.2); short protein forms R342Q.
Identifiers: ClinVar variation 2167811 (VCV002167811.2), dbSNP rs766658261, ClinGen allele CA5901472.